The following is an entry in ClinVar:

NM_000161.3(GCH1):c.541G>A (p.Val181Ile)

Gene: GCH1 (GTP cyclohydrolase 1; minus strand). Cytogenetic location: 14q22.2.
Variant type: single nucleotide variant.
Coding change: c.541G>A on transcript NM_000161.3 (MANE Select); coding-DNA position 541, G replaced by A.
Protein change: p.Val181Ile; replaces valine 181 with isoleucine.
Molecular consequence: missense variant.
Genome position (GRCh38, 1-based): chr14:54,847,099, C>T on the plus strand (G>A on the coding strand, the complement: GCH1 is on the minus strand). VCF-style: chr14-54847099-C-T. GRCh37 (hg19) VCF-style: chr14-55313817-C-T.
Other names: c.541G>A, p.Val181Ile (NM_001024024.2, NM_001024070.2, NM_001024071.2); short protein forms V181I.
Identifiers: ClinVar variation 2137590 (VCV002137590.5), dbSNP rs2504348355, ClinGen allele CA389787443.

ClinVar aggregate classification (germline): Uncertain significance. Review status: criteria provided, multiple submitters, no conflicts (2 of 4 stars). 2 submissions from 2 submitters: Uncertain significance (2). Last evaluated 2022-05-25.

Conditions:
Dystonia 5 (DRD). Also called: DYSTONIA, PROGRESSIVE, WITH DIURNAL VARIATION; DYSTONIA-PARKINSONISM WITH DIURNAL FLUCTUATION; Dystonia, DOPA-responsive, with or without hyperphenylalaninemia; DYT-GCH1; GTP Cyclohydrolase 1-Deficient Dopa-Responsive Dystonia. Identifiers: Orphanet 98808, MedGen C1851920, MONDO:0007495, OMIM 128230.
GTP cyclohydrolase I deficiency. Identifiers: MedGen C0268467, MONDO:0100184.

Allele frequency attached by ClinVar (database versions not stated): gnomAD exomes below 0.00001.
gnomAD v4.1: 1 of 964,834 alleles (0.0001%); no homozygotes.

Submissions (2):

Labcorp Genetics (formerly Invitae), Labcorp
Classification: Uncertain significance for GTP cyclohydrolase I deficiency; Dystonia 5. Last evaluated: 2022-05-25. Review status: criteria provided, single submitter. Criteria: Invitae Variant Classification Sherloc (09022015). Collection method: clinical testing. Allele origin: germline.
Comment: In summary, the available evidence is currently insufficient to determine the role of this variant in disease. Therefore, it has been classified as a Variant of Uncertain Significance. Variants that disrupt the consensus splice site are a relatively common cause of aberrant splicing (PMID: 17576681, 9536098). Algorithms developed to predict the effect of sequence changes on RNA splicing suggest that this variant may disrupt the consensus splice site. Algorithms developed to predict the effect of missense changes on protein structure and function (SIFT, PolyPhen-2, Align-GVGD) all suggest that this variant is likely to be disruptive. This missense change has been observed in individuals with dopa-responsive dystonia (PMID: 19491146; Invitae). This variant is not present in population databases (gnomAD no frequency). This sequence change replaces valine, which is neutral and non-polar, with isoleucine, which is neutral and non-polar, at codon 181 of the GCH1 protein (p.Val181Ile). This variant also falls at the last nucleotide of exon 4, which is part of the consensus splice site for this exon.

Blueprint Genetics
Classification: Uncertain significance. Last evaluated: 2021-04-23. Review status: criteria provided, single submitter. Criteria: ACMG Guidelines, 2015. Collection method: clinical testing. Allele origin: germline.

Literature cited by the submitters: PubMed 17576681 (cited by Labcorp Genetics (formerly Invitae), Labcorp); PubMed 9536098 (cited by Labcorp Genetics (formerly Invitae), Labcorp); PubMed 19491146 (cited by Labcorp Genetics (formerly Invitae), Labcorp).